The following is an entry in ClinVar:

ClinVar aggregate classification (germline): Uncertain significance (1 of 4 stars; one submission).

Allele frequency attached by ClinVar (database versions not stated): gnomAD exomes below 0.00001; gnomAD 0.00001; TOPMed 0.00001; ExAC 0.00002; 1000 Genomes Project 30x 0.00016; 1000 Genomes Project 0.00020.
gnomAD v4.1: 3 of 1,577,704 alleles (0.00019%); highest among the groups gnomAD compares: African/African-American, 0.004%; no homozygotes.

Submission:

Ambry Genetics
Classification: Uncertain significance. Last evaluated: 2022-05-12. Review status: criteria provided, single submitter. Criteria: Ambry Variant Classification Scheme 2023. Collection method: clinical testing. Allele origin: germline.
Comment: The p.K810R variant (also known as c.2429A>G), located in coding exon 22 of the PRKDC gene, results from an A to G substitution at nucleotide position 2429. The lysine at codon 810 is replaced by arginine, an amino acid with highly similar properties. This amino acid position is conserved. In addition, this alteration is predicted to be tolerated by in silico analysis. Since supporting evidence is limited at this time, the clinical significance of this alteration remains unclear.

NM_006904.7(PRKDC):c.2429A>G (p.Lys810Arg)

Gene: PRKDC (protein kinase, DNA-activated, catalytic subunit; minus strand). Cytogenetic location: 8q11.21.
Variant type: single nucleotide variant.
Coding change: c.2429A>G on transcript NM_006904.7 (MANE Select); coding-DNA position 2429, A replaced by G.
Protein change: p.Lys810Arg; replaces lysine 810 with arginine.
Molecular consequence: missense variant.
Genome position (GRCh38, 1-based): chr8:47,918,374, T>C on the plus strand (A>G on the coding strand, the complement: PRKDC is on the minus strand). VCF-style: chr8-47918374-T-C. GRCh37 (hg19) VCF-style: chr8-48830934-T-C.
Other names: c.2429A>G, p.Lys810Arg (NM_001081640.2); short protein forms K810R.
Identifiers: ClinVar variation 1791120 (VCV001791120.2), dbSNP rs572233473, ClinGen allele CA4741449.